The following is an entry in ClinVar:

ClinVar aggregate classification (germline): Conflicting classifications of pathogenicity. Review status: criteria provided, conflicting classifications (1 of 4 stars). 4 submissions from 4 submitters: Uncertain significance (3); Likely benign (1). Last evaluated 2026-01-14.

Conditions:
Hereditary breast ovarian cancer syndrome. Also called: Hereditary breast and ovarian cancer syndrome; Hereditary breast and ovarian cancer; Hereditary breast and ovarian cancer syndrome (HBOC); Breast and ovarian cancer; Hereditary breast and/or ovarian cancer syndrome; BRCA1- and BRCA2-Associated Hereditary Breast and Ovarian Cancer. Identifiers: Orphanet 145, MedGen C0677776, MeSH D061325, MONDO:0003582. Disease mechanism: loss of function.
Hereditary cancer-predisposing syndrome. Also called: Neoplastic Syndromes, Hereditary; Tumor predisposition; Hereditary neoplastic syndrome; Hereditary Cancer Syndrome. Identifiers: Orphanet 140162, MedGen C0027672, MeSH D009386, MONDO:0015356.

Submissions (4):

Labcorp Genetics (formerly Invitae), Labcorp
Classification: Uncertain significance for Hereditary breast ovarian cancer syndrome. Last evaluated: 2026-01-14. Review status: criteria provided, single submitter. Criteria: Invitae Variant Classification Sherloc (09022015). Collection method: clinical testing. Allele origin: germline.
Comment: This sequence change replaces leucine, which is neutral and non-polar, with valine, which is neutral and non-polar, at codon 1620 of the BRCA2 protein (p.Leu1620Val). This variant is not present in population databases (gnomAD no frequency). This variant has not been reported in the literature in individuals affected with BRCA2-related conditions. ClinVar contains an entry for this variant (Variation ID: 825232). Invitae Evidence Modeling of protein sequence and biophysical properties (such as structural, functional, and spatial information, amino acid conservation, physicochemical variation, residue mobility, and thermodynamic stability) indicates that this missense variant is not expected to disrupt BRCA2 protein function with a negative predictive value of 95%. In summary, the available evidence is currently insufficient to determine the role of this variant in disease. Therefore, it has been classified as a Variant of Uncertain Significance.

Color Diagnostics, LLC DBA Color Health
Classification: Uncertain significance for Hereditary cancer-predisposing syndrome. Last evaluated: 2024-03-06. Review status: criteria provided, single submitter. Criteria: ACMG Guidelines, 2015. Collection method: clinical testing. Allele origin: germline.
Comment: This missense variant replaces leucine with valine at codon 1620 of the BRCA2 protein. Computational prediction suggests that this variant may not impact protein structure and function (internally defined REVEL score threshold <= 0.5, PMID: 27666373). To our knowledge, functional studies have not been reported for this variant. This variant has not been reported in individuals affected with hereditary cancer in the literature. This variant has not been identified in the general population by the Genome Aggregation Database (gnomAD). The available evidence is insufficient to determine the role of this variant in disease conclusively. Therefore, this variant is classified as a Variant of Uncertain Significance.

Ambry Genetics
Classification: Uncertain significance for Hereditary cancer-predisposing syndrome. Last evaluated: 2024-01-11. Review status: criteria provided, single submitter. Criteria: Ambry Variant Classification Scheme 2023. Collection method: clinical testing. Allele origin: germline.
Comment: The p.L1620V variant (also known as c.4858T>G), located in coding exon 10 of the BRCA2 gene, results from a T to G substitution at nucleotide position 4858. The leucine at codon 1620 is replaced by valine, an amino acid with highly similar properties. This amino acid position is not well conserved in available vertebrate species. In addition, this alteration is predicted to be tolerated by in silico analysis. Since supporting evidence is limited at this time, the clinical significance of this alteration remains unclear.

University of Washington Department of Laboratory Medicine, University of Washington
Classification: Likely benign for Hereditary cancer-predisposing syndrome. Last evaluated: 2023-03-23. Review status: criteria provided, single submitter. Criteria: Dines et al. (Genet Med. 2020). Collection method: curation. Allele origin: germline.
Comment: Missense variant in a coldspot region where missense variants are very unlikely to be pathogenic (PMID:31911673).

BRCA2 exon 11 coldspot. Reclassification based on statistical prior probability.

NM_000059.4(BRCA2):c.4858T>G (p.Leu1620Val)

Gene: BRCA2 (BRCA2 DNA repair associated; plus strand). Cytogenetic location: 13q13.1.
Variant type: single nucleotide variant.
Coding change: c.4858T>G on transcript NM_000059.4 (MANE Select); coding-DNA position 4858, T replaced by G.
Protein change: p.Leu1620Val; replaces leucine 1620 with valine.
Molecular consequence: missense variant.
Genome position (GRCh38, 1-based): chr13:32,339,213, T>G. VCF-style: chr13-32339213-T-G. GRCh37 (hg19) VCF-style: chr13-32913350-T-G.
Other names: short protein forms L1620V.
Identifiers: ClinVar variation 825232 (VCV000825232.15), dbSNP rs528771743, ClinGen allele CA387783416.